The following is an entry in ClinVar:

ClinVar aggregate classification (germline): Uncertain significance (1 of 4 stars; one submission).

Conditions:
EHMT1-related disorder. Also called: EHMT1-related condition.

Submission:

PreventionGenetics, part of Exact Sciences
Classification: Uncertain significance for EHMT1-related condition. Last evaluated: 2026-01-03. Review status: criteria provided, single submitter. Criteria: ACMG Guidelines, 2015. Collection method: clinical testing. Allele origin: germline.
Comment: The EHMT1 c.3094G>C variant is predicted to result in the amino acid substitution p.Glu1032Gln. To our knowledge, this variant has not been reported in the literature or in a large population database (gnomAD), indicating this variant is rare. At this time, the clinical significance of this variant is uncertain due to the absence of conclusive functional and genetic evidence.

NM_024757.5(EHMT1):c.3094G>C (p.Glu1032Gln)

Gene: EHMT1 (euchromatic histone lysine methyltransferase 1; plus strand). Cytogenetic location: 9q34.3.
Variant type: single nucleotide variant.
Coding change: c.3094G>C on transcript NM_024757.5 (MANE Select); coding-DNA position 3094, G replaced by C.
Protein change: p.Glu1032Gln; replaces glutamic acid 1032 with glutamine.
Molecular consequence: missense variant.
Genome position (GRCh38, 1-based): chr9:137,813,444, G>C. VCF-style: chr9-137813444-G-C. GRCh37 (hg19) VCF-style: chr9-140707896-G-C.
Other names: c.3073G>C, p.Glu1025Gln (NM_001354263.2); short protein forms E1025Q, E1032Q.
Identifiers: ClinVar variation 4985070 (VCV004985070.1).
Genomic context (GRCh38, chr9:137,813,444, plus strand): 5'-AGGGACATCGCTCGAGGCTACGAGCGCATCCCCATCCCCTGTGTCAACGCCGTGGACAGC[G>C]AGCCATGCCCCAGCAACTACAAGTACGTCTCTCAGAACTGCGTGACGTCCCCCATGAACA-3'
Protein context (NP_079033.4, residues 1022-1042): PIPCVNAVDS[Glu1032Gln]PCPSNYKYVS